The following is an entry in ClinVar:

NM_001184880.2(PCDH19):c.3341G>A (p.Arg1114His)

Gene: PCDH19 (protocadherin 19; minus strand). Cytogenetic location: Xq22.1.
Variant type: single nucleotide variant.
Coding change: c.3341G>A on transcript NM_001184880.2 (MANE Select); coding-DNA position 3341, G replaced by A.
Protein change: p.Arg1114His; replaces arginine 1114 with histidine.
Molecular consequence: missense variant.
Genome position (GRCh38, 1-based): chrX:100,296,383, C>T on the plus strand (G>A on the coding strand, the complement: PCDH19 is on the minus strand). VCF-style: chrX-100296383-C-T. GRCh37 (hg19) VCF-style: chrX-99551381-C-T.
Other names: c.3200G>A, p.Arg1067His (NM_001105243.2); c.3197G>A, p.Arg1066His (NM_020766.3); short protein forms R1067H, R1114H, R1066H.
Identifiers: ClinVar variation 851727 (VCV000851727.8), dbSNP rs770137596, ClinGen allele CA10468632.

ClinVar aggregate classification (germline): Uncertain significance (1 of 4 stars; one submission).

Conditions:
Developmental and epileptic encephalopathy, 9 (DEE9). Also called: Early infantile epileptic encephalopathy 9; EPILEPSY, FEMALE-RESTRICTED, WITH MENTAL RETARDATION; JUBERG-HELLMAN SYNDROME; PCDH19-Related X-Linked Female-Limited Epilepsy with Mental Retardation. Identifiers: Orphanet 101039, Orphanet 2076, MedGen C1848137, MONDO:0010246, OMIM 300088. Disease mechanism: loss of function.

Allele frequency attached by ClinVar (database versions not stated): gnomAD 0.00001; TOPMed 0.00001.
gnomAD v4.1: 31 of 1,209,304 alleles (0.0026%); highest among the groups gnomAD compares: South Asian, 0.028%; 1 homozygote.

Submission:

Labcorp Genetics (formerly Invitae), Labcorp
Classification: Uncertain significance for Developmental and epileptic encephalopathy, 9. Last evaluated: 2025-09-02. Review status: criteria provided, single submitter. Criteria: Invitae Variant Classification Sherloc (09022015). Collection method: clinical testing. Allele origin: germline.
Comment: This sequence change replaces arginine, which is basic and polar, with histidine, which is basic and polar, at codon 1114 of the PCDH19 protein (p.Arg1114His). This variant is present in population databases (rs770137596, gnomAD 0.03%). This variant has not been reported in the literature in individuals affected with PCDH19-related conditions. ClinVar contains an entry for this variant (Variation ID: 851727). Invitae Evidence Modeling of protein sequence and biophysical properties (such as structural, functional, and spatial information, amino acid conservation, physicochemical variation, residue mobility, and thermodynamic stability) indicates that this missense variant is not expected to disrupt PCDH19 protein function with a negative predictive value of 95%. In summary, the available evidence is currently insufficient to determine the role of this variant in disease. Therefore, it has been classified as a Variant of Uncertain Significance.